The following is an entry in ClinVar:

ClinVar aggregate classification (germline): Uncertain significance (1 of 4 stars; one submission).

Conditions:
Acrocallosal syndrome (ACLS). Also called: HALLUX DUPLICATION, POSTAXIAL POLYDACTYLY, AND ABSENCE OF CORPUS CALLOSUM; Schinzel syndrome 1; Absence of corpus callosum with unusual facial appearance, mental deficiency, duplication of the halluces and polydactyly. Identifiers: Orphanet 36, MedGen C0796147, MONDO:0008708, OMIM 200990.

gnomAD v4.1: 1 of 1,535,902 alleles (0.000065%); highest among the groups gnomAD compares: Non-Finnish European, 0.000087%; no homozygotes.

Submission:

Labcorp Genetics (formerly Invitae), Labcorp
Classification: Uncertain significance for Acrocallosal syndrome. Last evaluated: 2022-07-20. Review status: criteria provided, single submitter. Criteria: Invitae Variant Classification Sherloc (09022015). Collection method: clinical testing. Allele origin: germline.
Comment: This sequence change replaces arginine, which is basic and polar, with cysteine, which is neutral and slightly polar, at codon 345 of the KIF7 protein (p.Arg345Cys). This variant is not present in population databases (gnomAD no frequency). This variant has not been reported in the literature in individuals affected with KIF7-related conditions. Algorithms developed to predict the effect of missense changes on protein structure and function are either unavailable or do not agree on the potential impact of this missense change (SIFT: "Deleterious"; PolyPhen-2: "Probably Damaging"; Align-GVGD: "Class C0"). In summary, the available evidence is currently insufficient to determine the role of this variant in disease. Therefore, it has been classified as a Variant of Uncertain Significance.

NM_198525.3(KIF7):c.1033C>T (p.Arg345Cys)

Gene: KIF7 (kinesin family member 7; minus strand). Cytogenetic location: 15q26.1.
Variant type: single nucleotide variant.
Coding change: c.1033C>T on transcript NM_198525.3 (MANE Select); coding-DNA position 1033, C replaced by T.
Protein change: p.Arg345Cys; replaces arginine 345 with cysteine.
Molecular consequence: missense variant.
Genome position (GRCh38, 1-based): chr15:89,648,665, G>A on the plus strand (C>T on the coding strand, the complement: KIF7 is on the minus strand). VCF-style: chr15-89648665-G-A. GRCh37 (hg19) VCF-style: chr15-90191896-G-A.
Other names: short protein forms R345C.
Identifiers: ClinVar variation 1720794 (VCV001720794.5), dbSNP rs1964065075, ClinGen allele CA393772964.